The following is an entry in ClinVar:

NM_032656.4(DHX37):c.1495C>T (p.Arg499Trp)

Gene: DHX37 (DEAH-box helicase 37; minus strand). Cytogenetic location: 12q24.31.
Variant type: single nucleotide variant.
Coding change: c.1495C>T on transcript NM_032656.4 (MANE Select); coding-DNA position 1495, C replaced by T.
Protein change: p.Arg499Trp; replaces arginine 499 with tryptophan.
Molecular consequence: missense variant.
Genome position (GRCh38, 1-based): chr12:124,967,132, G>A on the plus strand (C>T on the coding strand, the complement: DHX37 is on the minus strand). VCF-style: chr12-124967132-G-A. GRCh37 (hg19) VCF-style: chr12-125451678-G-A.
Other names: short protein forms R499W.
Identifiers: ClinVar variation 3712693 (VCV003712693.2).

ClinVar aggregate classification (germline): Uncertain significance (1 of 4 stars; one submission).

Submission:

Labcorp Genetics (formerly Invitae), Labcorp
Classification: Uncertain significance. Last evaluated: 2025-02-03. Review status: criteria provided, single submitter. Criteria: Invitae Variant Classification Sherloc (09022015). Collection method: clinical testing. Allele origin: germline.
Comment: This sequence change replaces arginine, which is basic and polar, with tryptophan, which is neutral and slightly polar, at codon 499 of the DHX37 protein (p.Arg499Trp). This variant is present in population databases (rs780118795, gnomAD 0.008%). This variant has not been reported in the literature in individuals affected with DHX37-related conditions. Invitae Evidence Modeling of protein sequence and biophysical properties (such as structural, functional, and spatial information, amino acid conservation, physicochemical variation, residue mobility, and thermodynamic stability) indicates that this missense variant is not expected to disrupt DHX37 protein function with a negative predictive value of 80%. In summary, the available evidence is currently insufficient to determine the role of this variant in disease. Therefore, it has been classified as a Variant of Uncertain Significance.